The following is an entry in ClinVar:

ClinVar aggregate classification (germline): Pathogenic. Review status: criteria provided, multiple submitters, no conflicts (2 of 4 stars). 2 submissions from 2 submitters: Pathogenic (2). Last evaluated 2022-11-12.

Submissions (2):

Labcorp Genetics (formerly Invitae), Labcorp
Classification: Pathogenic. Last evaluated: 2022-11-12. Review status: criteria provided, single submitter. Criteria: Invitae Variant Classification Sherloc (09022015). Collection method: clinical testing. Allele origin: germline.
Comment: This sequence change creates a premature translational stop signal (p.Gly357*) in the ABCB11 gene. It is expected to result in an absent or disrupted protein product. Loss-of-function variants in ABCB11 are known to be pathogenic (PMID: 18395098, 20232290). This variant is not present in population databases (gnomAD no frequency). This variant has not been reported in the literature in individuals affected with ABCB11-related conditions. ClinVar contains an entry for this variant (Variation ID: 288554). For these reasons, this variant has been classified as Pathogenic.

Eurofins Ntd Llc (ga)
Classification: Pathogenic. Last evaluated: 2016-06-23. Review status: criteria provided, single submitter. Criteria: EGL Classification Definitions 2015. Collection method: clinical testing. Allele origin: germline. Observed: 1 variant allele, 1 heterozygote.

Literature cited by the submitters: PubMed 18395098 (cited by Labcorp Genetics (formerly Invitae), Labcorp); PubMed 20232290 (cited by Labcorp Genetics (formerly Invitae), Labcorp).

NM_003742.4(ABCB11):c.1069G>T (p.Gly357Ter)

Gene: ABCB11 (ATP binding cassette subfamily B member 11; minus strand). Cytogenetic location: 2q31.1.
Variant type: single nucleotide variant.
Coding change: c.1069G>T on transcript NM_003742.4 (MANE Select); coding-DNA position 1069, G replaced by T.
Protein change: p.Gly357Ter; replaces glycine 357 with a stop codon.
Molecular consequence: nonsense.
Genome position (GRCh38, 1-based): chr2:168,986,124, C>A on the plus strand (G>T on the coding strand, the complement: ABCB11 is on the minus strand). VCF-style: chr2-168986124-C-A. GRCh37 (hg19) VCF-style: chr2-169842634-C-A.
Other names: c.1069G>T, p.Gly357Ter (LRG_1199t1); short protein forms G357*.
Identifiers: ClinVar variation 288554 (VCV000288554.10), dbSNP rs886043935, ClinGen allele CA10606134.